The following is an entry in ClinVar:

ClinVar aggregate classification (germline): Uncertain significance (1 of 4 stars; one submission).

Conditions:
Hereditary breast ovarian cancer syndrome. Also called: Hereditary breast and ovarian cancer; Hereditary breast and/or ovarian cancer syndrome; Hereditary breast and ovarian cancer syndrome; Hereditary breast and ovarian cancer syndrome (HBOC); Breast and ovarian cancer; BRCA1- and BRCA2-Associated Hereditary Breast and Ovarian Cancer. Identifiers: Orphanet 145, MedGen C0677776, MeSH D061325, MONDO:0003582. Disease mechanism: loss of function.

Submission:

Labcorp Genetics (formerly Invitae), Labcorp
Classification: Uncertain significance for Hereditary breast ovarian cancer syndrome. Last evaluated: 2019-08-14. Review status: criteria provided, single submitter. Criteria: Invitae Variant Classification Sherloc (09022015). Collection method: clinical testing. Allele origin: germline.
Comment: This sequence change replaces arginine with serine at codon 2500 of the BRCA2 protein (p.Arg2500Ser). The arginine residue is highly conserved and there is a moderate physicochemical difference between arginine and serine. This variant is not present in population databases (ExAC no frequency). This variant has not been reported in the literature in individuals with BRCA2-related conditions. Algorithms developed to predict the effect of missense changes on protein structure and function output the following: SIFT: "Deleterious"; PolyPhen-2: "Benign"; Align-GVGD: "Class C0". The serine amino acid residue is found in multiple mammalian species, suggesting that this missense change does not adversely affect protein function. These predictions have not been confirmed by published functional studies and their clinical significance is uncertain. In summary, the available evidence is currently insufficient to determine the role of this variant in disease. Therefore, it has been classified as a Variant of Uncertain Significance.

NM_000059.4(BRCA2):c.7500G>C (p.Arg2500Ser)

Gene: BRCA2 (BRCA2 DNA repair associated; plus strand). Cytogenetic location: 13q13.1.
Variant type: single nucleotide variant.
Coding change: c.7500G>C on transcript NM_000059.4 (MANE Select); coding-DNA position 7500, G replaced by C.
Protein change: p.Arg2500Ser; replaces arginine 2500 with serine.
Molecular consequence: missense variant.
Genome position (GRCh38, 1-based): chr13:32,356,492, G>C. VCF-style: chr13-32356492-G-C. GRCh37 (hg19) VCF-style: chr13-32930629-G-C.
Other names: short protein forms R2500S.
Identifiers: ClinVar variation 954361 (VCV000954361.10), dbSNP rs2072696646, ClinGen allele CA387743402.